The following is an entry in ClinVar:

NM_138927.4(SON):c.4582C>G (p.His1528Asp)

Gene: SON (SON DNA and RNA binding protein; plus strand). Cytogenetic location: 21q22.11.
Variant type: single nucleotide variant.
Coding change: c.4582C>G on transcript NM_138927.4 (MANE Select); coding-DNA position 4582, C replaced by G.
Protein change: p.His1528Asp; replaces histidine 1528 with aspartic acid.
Molecular consequence: missense variant. On other transcripts: non-coding transcript variant (1), intron variant (1).
Genome position (GRCh38, 1-based): chr21:33,553,813, C>G. VCF-style: chr21-33553813-C-G. GRCh37 (hg19) VCF-style: chr21-34926119-C-G.
Other names: c.4582C>G, p.His1528Asp (NM_001291411.2, NM_001412133.1, NM_032195.3 and 2 more transcripts); c.245-3343C>G (NM_001291412.3); short protein forms H1528D.
Identifiers: ClinVar variation 2123200 (VCV002123200.4), dbSNP rs2085881073, ClinGen allele CA410162934.
Genomic context (GRCh38, chr21:33,553,813, plus strand): 5'-CATTCAGGTGAAGAACCACATGCTGAGGAACACCTGAAAGGTGACTTTTACGAAAGTGAA[C>G]ATGGTATAAATATAGACCTTAATATAAATAATCATTTAATTGCTAAAGAGATGGAACATA-3'
Protein context (NP_620305.3, residues 1518-1538): HLKGDFYESE[His1528Asp]GINIDLNINN

ClinVar aggregate classification (germline): Uncertain significance (1 of 4 stars; one submission).

Submission:

Labcorp Genetics (formerly Invitae), Labcorp
Classification: Uncertain significance. Last evaluated: 2022-04-08. Review status: criteria provided, single submitter. Criteria: Invitae Variant Classification Sherloc (09022015). Collection method: clinical testing. Allele origin: germline.
Comment: In summary, the available evidence is currently insufficient to determine the role of this variant in disease. Therefore, it has been classified as a Variant of Uncertain Significance. Algorithms developed to predict the effect of missense changes on protein structure and function (SIFT, PolyPhen-2, Align-GVGD) all suggest that this variant is likely to be tolerated. This variant has not been reported in the literature in individuals affected with SON-related conditions. This variant is not present in population databases (gnomAD no frequency). This sequence change replaces histidine, which is basic and polar, with aspartic acid, which is acidic and polar, at codon 1528 of the SON protein (p.His1528Asp).